The following continues an entry in ClinVar:

NM_000257.4(MYH7):c.4258C>T (p.Arg1420Trp)

Gene: MYH7. ClinVar aggregate classification (germline): Likely pathogenic. Likely pathogenic (1).

Submissions 8 to 22 of 22:

All of Us Research Program, National Institutes of Health
Classification: Likely pathogenic for Hypertrophic cardiomyopathy. Last evaluated: 2024-09-27. Review status: criteria provided, single submitter. Criteria: ACMG Guidelines, 2015. Collection method: clinical testing. Allele origin: germline. Inheritance: Autosomal dominant inheritance. Observed: 1 variant allele, 1 heterozygote. Not counted in ClinVar's aggregate classification.
Comment: This missense variant replaces arginine with tryptophan at codon 1420 in the LMM domain of the MYH7 protein. Computational prediction suggests that this variant may have deleterious impact on protein structure and function (internally defined REVEL score threshold >= 0.7, PMID: 27666373). To our knowledge, functional studies have not been reported for this variant. This variant has been reported in over ten individuals affected with hypertrophic cardiomyopathy (PMID: 15358028, 20624503, 23140321, 23283745, 27532257, 30297972; Kassem et al. 2017). This variant has been identified in 2/251476 chromosomes in the general population by the Genome Aggregation Database (gnomAD). Based on the available evidence, this variant is classified as Likely Pathogenic.

This study involves interpretation of variants in research participants for the purpose of population health screening. Participant phenotype was not available at the time of variant classification. Additional details can be found in publication PMID: 35346344, PMCID: PMC8962531

Laboratory for Molecular Medicine, Mass General Brigham Personalized Medicine
Classification: Likely pathogenic for Hypertrophic cardiomyopathy. Last evaluated: 2023-10-27. Review status: criteria provided, single submitter. Criteria: ACMG Guidelines, 2015. Collection method: clinical testing. Allele origin: germline. Inheritance: Autosomal dominant inheritance. Not counted in ClinVar's aggregate classification.
Comment: The p.Arg1420Trp variant has been identified in at least 15 individuals with hypertrophic cardiomyopathy (HCM: Van Driest 2004 PMID: 15358028, Millat 2010 PMID: 20624503, Bortot 2011 PMID: 21817903, Zou 2013 PMID: 23283745, Berge 2014 PMID: 24111713, Ntusi 2016 PMID: 27841901, O'Hare 2020 PMID: 33190526, LMM data). It has also been identified in 0.003% (2/68046) of European chromosomes by gnomAD (v.3.1.2). Computational prediction tools and conservation analyses are consistent with pathogenicity. Another variant involving this codon (p.Arg1420Gln) has been identified in individuals with HCM and is classified as likely pathogenic by this laboratory. Additionally, this variant was classified as likely pathogenic on Dec 15, 2016 by the ClinGen-approved Cardiomyopathy expert panel (Variation ID: 43003). In summary, although additional studies are required to fully establish its clinical significance, this variant meets criteria to be classified as likely pathogenic for autosomal dominant HCM. ACMG/AMP Criteria applied: PS4, PM2_Supporting, PM5_Supporting, PP3.

CeGaT Center for Human Genetics Tuebingen
Classification: Likely pathogenic. Last evaluated: 2023-04-01. Review status: criteria provided, single submitter. Criteria: CeGaT Center For Human Genetics Tuebingen Variant Classification Criteria Version 2. Collection method: clinical testing. Allele origin: germline. Affected: yes. Observed: 1 variant allele. Not counted in ClinVar's aggregate classification.
Comment: MYH7: PM1, PM2, PM5, PP2, PP3, PS4:Supporting

Baylor Genetics
Classification: Pathogenic for Dilated cardiomyopathy 1S. Last evaluated: 2023-02-21. Review status: criteria provided, single submitter. Criteria: ACMG Guidelines, 2015. Collection method: clinical testing. Allele origin: unknown. Not counted in ClinVar's aggregate classification.

Baylor Genetics
Classification: Pathogenic for MYH7-related skeletal myopathy. Last evaluated: 2023-02-21. Review status: criteria provided, single submitter. Criteria: ACMG Guidelines, 2015. Collection method: clinical testing. Allele origin: unknown. Not counted in ClinVar's aggregate classification.

Baylor Genetics
Classification: Pathogenic for Hypertrophic cardiomyopathy 1. Last evaluated: 2023-02-21. Review status: criteria provided, single submitter. Criteria: ACMG Guidelines, 2015. Collection method: clinical testing. Allele origin: unknown. Not counted in ClinVar's aggregate classification.

Baylor Genetics
Classification: Pathogenic for Myopathy, myosin storage, autosomal recessive. Last evaluated: 2023-02-21. Review status: criteria provided, single submitter. Criteria: ACMG Guidelines, 2015. Collection method: clinical testing. Allele origin: unknown. Not counted in ClinVar's aggregate classification.

Baylor Genetics
Classification: Pathogenic for Myosin storage myopathy. Last evaluated: 2023-02-21. Review status: criteria provided, single submitter. Criteria: ACMG Guidelines, 2015. Collection method: clinical testing. Allele origin: unknown. Not counted in ClinVar's aggregate classification.

Women's Health and Genetics/Laboratory Corporation of America, LabCorp
Classification: Likely pathogenic for Cardiomyopathy. Last evaluated: 2022-08-22. Review status: criteria provided, single submitter. Criteria: LabCorp Variant Classification Summary - May 2015. Collection method: clinical testing. Allele origin: germline. Not counted in ClinVar's aggregate classification.
Comment: Variant summary: MYH7 c.4258C>T (p.Arg1420Trp) results in a non-conservative amino acid change located in the Myosin tail domain (IPR002928) of the encoded protein sequence. Five of five in-silico tools predict a damaging effect of the variant on protein function. The variant allele was found at a frequency of 7.9e-06 in 252916 control chromosomes (gnomAD and publication data). c.4258C>T has been reported in the literature in individuals affected with hypertrophic cardiomyopathy (VanDriest_2004, Millat_2010, Teirlinck_2012, Zou_2013, Berge_2013, Wang_2014, Ntusi_2016, Walsh_2017, Ko_2017, Ho_2018, OHare_2020). These data indicate that the variant is likely to be associated with disease. In addition, other missense variants at the same codon (R1420Q, R1420L) have been found in patients with hypertrophic cardiomyopathy in HGMD, indicating the arginine residue is critical for the protein function. To our knowledge, no experimental evidence demonstrating an impact on protein function has been reported. Five ClinVar submitters (evaluation after 2014) cite the variant as uncertain significance (n=3) and likely pathogenic (n=2), including ClinGen Cardiomyopathy Variant Curation Expert Panel classified it as likely pathogenic. Based on the evidence outlined above, the variant was classified as likely pathogenic.

Blueprint Genetics
Classification: Likely pathogenic for MYH7-related disorders. Last evaluated: 2022-08-04. Review status: criteria provided, single submitter. Criteria: ACMG Guidelines, 2015. Collection method: clinical testing. Allele origin: germline. Affected: yes. Observed: 5 variant alleles. Not counted in ClinVar's aggregate classification.

CHEO Genetics Diagnostic Laboratory, Children's Hospital of Eastern Ontario
Classification: Likely pathogenic for Cardiomyopathy. Last evaluated: 2022-03-22. Review status: criteria provided, single submitter. Criteria: ACMG Guidelines, 2015. Collection method: clinical testing. Allele origin: germline. Not counted in ClinVar's aggregate classification.

Fulgent Genetics
Classification: Likely pathogenic for MYH7-related skeletal myopathy; Myosin storage myopathy; Hypertrophic cardiomyopathy 1; Myopathy, myosin storage, autosomal recessive; Congenital myopathy 4A, autosomal dominant; Dilated cardiomyopathy 1S. Last evaluated: 2022-01-18. Review status: criteria provided, single submitter. Criteria: ACMG Guidelines, 2015. Collection method: clinical testing. Allele origin: unknown. Not counted in ClinVar's aggregate classification.

Juno Genomics, Hangzhou Juno Genomics, Inc
Classification: Likely pathogenic for Myosin storage myopathy; Myopathy, myosin storage, autosomal recessive; Dilated cardiomyopathy 1S; Hypertrophic cardiomyopathy 1; MYH7-related skeletal myopathy. Review status: criteria provided, single submitter. Criteria: ACMG Guidelines, 2015. Collection method: clinical testing. Allele origin: germline. Not counted in ClinVar's aggregate classification.
Comment: Absent from controls (or at extremely low frequency if recessive) in Genome Aggregation Database.;Multiple lines of computational evidence support a deleterious effect on the gene or gene product.;The prevalence of the variant in affected individuals is significantly increased compared to the prevalence in controls.

Solve-RD Consortium
Classification: Likely pathogenic for Myosin storage myopathy. Last evaluated: 2022-06-01. Review status: no assertion criteria provided. Collection method: provider interpretation. Allele origin: inherited. Affected: yes. Not counted in ClinVar's aggregate classification.
Comment: Variant confirmed as disease-causing by referring clinical team

Variant identified during reanalysis of unsolved cases by the Solve-RD project. The Solve-RD project has received funding from the European Union’s Horizon 2020 research and innovation programme under grant agreement No 779257.

CSER _CC_NCGL, University of Washington
Classification: Uncertain significance for Cardiomyopathy, hypertrophic. Last evaluated: 2014-06-01. Review status: flagged submission. Collection method: research. Allele origin: germline. Inheritance: Autosomal dominant inheritance. Study: ESP 6500 variant annotation. Not counted in ClinVar's aggregate classification.
Comment: Variants classified for the Actionable exomic incidental findings in 6503 participants: challenges of variant classification manuscript
ClinVar note: Reason: Conflicts with expert reviewed submission without evidence to support different classification

Literature cited by the submitters: PubMed 29300372 (cited by 7 submitters); PubMed 15358028 (cited by 8 submitters); PubMed 20624503 (cited by 7 submitters); PubMed 27247418 (cited by 5 submitters); PubMed 27532257 (cited by 7 submitters); PubMed 28640247 (cited by Ambry Genetics and Women's Health and Genetics/Laboratory Corporation of America, LabCorp); PubMed 35653365 (cited by Ambry Genetics and Color Diagnostics, LLC DBA Color Health); PubMed 37431535 (cited by Ambry Genetics); PubMed 20800588 (cited by 4 submitters); PubMed 23283745 (cited by 6 submitters); PubMed 24111713 (cited by 4 submitters); PubMed 27841901 (cited by 3 submitters); PubMed 33190526 (cited by 4 submitters); PubMed 21817903 (cited by Labcorp Genetics (formerly Invitae), Labcorp and Laboratory for Molecular Medicine, Mass General Brigham Personalized Medicine); PubMed 26914223 (cited by Labcorp Genetics (formerly Invitae), Labcorp); PubMed 23140321 (cited by 4 submitters); PubMed 30297972 (cited by 4 submitters); PubMed 37652022 (cited by Color Diagnostics, LLC DBA Color Health and North West Genomic Laboratory Hub, Manchester University NHS Foundation Trust); PubMed 25637381 (cited by North West Genomic Laboratory Hub, Manchester University NHS Foundation Trust and Women's Health and Genetics/Laboratory Corporation of America, LabCorp); PubMed 23299917 (cited by North West Genomic Laboratory Hub, Manchester University NHS Foundation Trust and Women's Health and Genetics/Laboratory Corporation of America, LabCorp); PubMed 24055113 (cited by North West Genomic Laboratory Hub, Manchester University NHS Foundation Trust and Women's Health and Genetics/Laboratory Corporation of America, LabCorp); PubMed 33087929 (cited by North West Genomic Laboratory Hub, Manchester University NHS Foundation Trust); PubMed 22958901 (cited by Women's Health and Genetics/Laboratory Corporation of America, LabCorp); PubMed 23403236 (cited by Women's Health and Genetics/Laboratory Corporation of America, LabCorp); PubMed 25132132 (cited by Women's Health and Genetics/Laboratory Corporation of America, LabCorp); PubMed 30696458 (cited by Women's Health and Genetics/Laboratory Corporation of America, LabCorp); PubMed 34542152 (cited by Women's Health and Genetics/Laboratory Corporation of America, LabCorp); PubMed 25961035 (cited by Women's Health and Genetics/Laboratory Corporation of America, LabCorp); PubMed 24664454 (cited by Women's Health and Genetics/Laboratory Corporation of America, LabCorp); PubMed 35544052 (cited by Women's Health and Genetics/Laboratory Corporation of America, LabCorp); PubMed 39825153 (cited by Solve-RD Consortium).